The following is an entry in ClinVar:

NM_005051.3(QARS1):c.1759-13_1759-7del

Gene: QARS1 (glutaminyl-tRNA synthetase 1; minus strand). Cytogenetic location: 3p21.31.
Variant type: Microsatellite.
Coding change: c.1759-13_1759-7del on transcript NM_005051.3 (MANE Select); 13 bases into the intron before coding-DNA position 1759 through 7 bases into the intron before coding-DNA position 1759, 7 bases deleted (TCTCCTG; older notation c.1759-13_1759-7delTCTCCTG).
Molecular consequence: intron variant.
Genome position (GRCh38, 1-based): chr3:49,098,996-49,099,002, CAGGAGA deleted on the plus strand (TCTCCTG on the coding strand, the reverse complement: QARS1 is on the minus strand); deleting any 7 consecutive bases within chr3:49,098,996-49,099,013 gives the same sequence; the c. name uses the placement nearest the transcript's 3' end. VCF-style (leftmost placement, unchanged base first): chr3-49098995-GCAGGAGA-G. GRCh37 (hg19) VCF-style: chr3-49136428-GCAGGAGA-G.
Other names: c.1759-13_1759-7delTCTCCTG (NM_005051.2); c.1726-13_1726-7del (NM_001272073.2).
Identifiers: ClinVar variation 420517 (VCV000420517.9), dbSNP rs781635166, ClinGen allele CA2391642.

ClinVar aggregate classification (germline): Likely benign. Review status: criteria provided, multiple submitters, no conflicts (2 of 4 stars). 3 submissions from 3 submitters: Likely benign (3). Last evaluated 2025-12-13.

Conditions:
Diffuse cerebral and cerebellar atrophy - intractable seizures - progressive microcephaly syndrome. Also called: Microcephaly, progressive, with seizures and cerebral and cerebellar atrophy. Identifiers: Orphanet 404437, MedGen C4014239, MONDO:0014335, OMIM 615760.

Submissions (3):

Labcorp Genetics (formerly Invitae), Labcorp
Classification: Likely benign for Diffuse cerebral and cerebellar atrophy - intractable seizures - progressive microcephaly syndrome. Last evaluated: 2025-12-13. Review status: criteria provided, single submitter. Criteria: Invitae Variant Classification Sherloc (09022015). Collection method: clinical testing. Allele origin: germline.

Blueprint Genetics
Classification: Likely benign. Last evaluated: 2024-10-02. Review status: criteria provided, single submitter. Criteria: ACMG Guidelines, 2015. Collection method: clinical testing. Allele origin: germline.

GeneDx
Classification: Likely benign. Last evaluated: 2016-03-14. Review status: criteria provided, single submitter. Criteria: GeneDx Variant Classification (06012015). Collection method: clinical testing. Allele origin: germline. Affected: yes.
Comment: This variant is considered likely benign or benign based on one or more of the following criteria: it is a conservative change, it occurs at a poorly conserved position in the protein, it is predicted to be benign by multiple in silico algorithms, and/or has population frequency not consistent with disease.